The following is an entry in ClinVar:

ClinVar aggregate classification (germline): Uncertain significance. Review status: criteria provided, multiple submitters, no conflicts (2 of 4 stars). 3 submissions from 3 submitters: Uncertain significance (3). Last evaluated 2025-12-02.

Conditions:
Cardiovascular phenotype. Identifiers: MedGen CN230736.
Dilated cardiomyopathy 1II (CMD1II). Identifiers: Orphanet 154, MedGen C3554649, MONDO:0014073, OMIM 615184.

Allele frequency attached by ClinVar (database versions not stated): gnomAD exomes below 0.00001.
gnomAD v4.1: 8 of 1,614,076 alleles (0.0005%); highest among the groups gnomAD compares: Non-Finnish European, 0.00068%; no homozygotes.

Submissions (3):

Labcorp Genetics (formerly Invitae), Labcorp
Classification: Uncertain significance for Dilated cardiomyopathy 1II. Last evaluated: 2025-12-02. Review status: criteria provided, single submitter. Criteria: Invitae Variant Classification Sherloc (09022015). Collection method: clinical testing. Allele origin: germline.
Comment: This sequence change replaces phenylalanine, which is neutral and non-polar, with serine, which is neutral and polar, at codon 118 of the CRYAB protein (p.Phe118Ser). This variant is not present in population databases (gnomAD no frequency). This variant has not been reported in the literature in individuals affected with CRYAB-related conditions. ClinVar contains an entry for this variant (Variation ID: 228540). An algorithm developed to predict the effect of missense changes on protein structure and function (PolyPhen-2) suggests that this variant is likely to be disruptive. In summary, the available evidence is currently insufficient to determine the role of this variant in disease. Therefore, it has been classified as a Variant of Uncertain Significance.

Ambry Genetics
Classification: Uncertain significance for Cardiovascular phenotype. Last evaluated: 2024-03-07. Review status: criteria provided, single submitter. Criteria: Ambry Variant Classification Scheme 2023. Collection method: clinical testing. Allele origin: germline.
Comment: The p.F118S variant (also known as c.353T>C), located in coding exon 3 of the CRYAB gene, results from a T to C substitution at nucleotide position 353. The phenylalanine at codon 118 is replaced by serine, an amino acid with highly dissimilar properties. This amino acid position is highly conserved in available vertebrate species. In addition, this alteration is predicted to be deleterious by in silico analysis. Based on the available evidence, the clinical significance of this alteration remains unclear.

Laboratory for Molecular Medicine, Mass General Brigham Personalized Medicine
Classification: Uncertain significance. Last evaluated: 2015-03-20. Review status: criteria provided, single submitter. Criteria: LMM Criteria. Collection method: clinical testing. Allele origin: germline. Observed: 1 variant allele.
Comment: The p.Phe118Ser variant in CRYAB has not been previously reported in individuals with cardiomyopathy or in large population studies. Computational prediction to ols and conservation analysis suggest that the p.Phe118Ser variant may impact th e protein, though this information is not predictive enough to determine pathoge nicity. In summary, the clinical significance of the p.Phe118Ser variant is unce rtain.

NM_001289808.2(CRYAB):c.353T>C (p.Phe118Ser)

Gene: CRYAB (crystallin alpha B; minus strand). Cytogenetic location: 11q23.1.
Variant type: single nucleotide variant.
Coding change: c.353T>C on transcript NM_001289808.2 (MANE Select); coding-DNA position 353, T replaced by C.
Protein change: p.Phe118Ser; replaces phenylalanine 118 with serine.
Molecular consequence: missense variant.
Genome position (GRCh38, 1-based): chr11:111,908,939, A>G on the plus strand (T>C on the coding strand, the complement: CRYAB is on the minus strand). VCF-style: chr11-111908939-A-G. GRCh37 (hg19) VCF-style: chr11-111779663-A-G.
Other names: c.353T>C, p.Phe118Ser (NM_001289807.1, NM_001368245.1, NM_001885.3); c.152T>C, p.Phe51Ser (NM_001330379.1, NM_001368246.1); short protein forms F118S, F51S.
Identifiers: ClinVar variation 228540 (VCV000228540.11), dbSNP rs876657766, ClinGen allele CA10577205.